The following is an entry in ClinVar:

NM_002291.3(LAMB1):c.2171G>C (p.Gly724Ala)

Gene: LAMB1 (laminin subunit beta 1; minus strand). Cytogenetic location: 7q31.1.
Variant type: single nucleotide variant.
Coding change: c.2171G>C on transcript NM_002291.3 (MANE Select); coding-DNA position 2171, G replaced by C.
Protein change: p.Gly724Ala; replaces glycine 724 with alanine.
Molecular consequence: missense variant.
Genome position (GRCh38, 1-based): chr7:107,960,588, C>G on the plus strand (G>C on the coding strand, the complement: LAMB1 is on the minus strand). VCF-style: chr7-107960588-C-G. GRCh37 (hg19) VCF-style: chr7-107601033-C-G.
Other names: short protein forms G724A.
Identifiers: ClinVar variation 2186511 (VCV002186511.4), dbSNP rs1055632997, ClinGen allele CA164252365.

ClinVar aggregate classification (germline): Uncertain significance (1 of 4 stars; one submission).

Allele frequency attached by ClinVar (database versions not stated): gnomAD exomes below 0.00001; gnomAD 0.00001; TOPMed 0.00002.
gnomAD v4.1: 7 of 1,614,100 alleles (0.00043%); highest among the groups gnomAD compares: African/African-American, 0.0053%; no homozygotes.

Submission:

Labcorp Genetics (formerly Invitae), Labcorp
Classification: Uncertain significance. Last evaluated: 2026-01-18. Review status: criteria provided, single submitter. Criteria: Invitae Variant Classification Sherloc (09022015). Collection method: clinical testing. Allele origin: germline.
Comment: This sequence change replaces glycine, which is neutral and non-polar, with alanine, which is neutral and non-polar, at codon 724 of the LAMB1 protein (p.Gly724Ala). This variant is present in population databases (no rsID available, gnomAD 0.003%). This variant has not been reported in the literature in individuals affected with LAMB1-related conditions. ClinVar contains an entry for this variant (Variation ID: 2186511). An algorithm developed to predict the effect of missense changes on protein structure and function (PolyPhen-2) suggests that this variant is likely to be tolerated. In summary, the available evidence is currently insufficient to determine the role of this variant in disease. Therefore, it has been classified as a Variant of Uncertain Significance.